The following is an entry in ClinVar:

NM_001999.4(FBN2):c.2338G>A (p.Ala780Thr)

Gene: FBN2 (fibrillin 2; minus strand). Cytogenetic location: 5q23.3.
Variant type: single nucleotide variant.
Coding change: c.2338G>A on transcript NM_001999.4 (MANE Select); coding-DNA position 2338, G replaced by A.
Protein change: p.Ala780Thr; replaces alanine 780 with threonine.
Molecular consequence: missense variant.
Genome position (GRCh38, 1-based): chr5:128,364,690, C>T on the plus strand (G>A on the coding strand, the complement: FBN2 is on the minus strand). VCF-style: chr5-128364690-C-T. GRCh37 (hg19) VCF-style: chr5-127700383-C-T.
Other names: short protein forms A780T.
Identifiers: ClinVar variation 3254549 (VCV003254549.1), dbSNP rs1287438380.

ClinVar aggregate classification (germline): Uncertain significance (1 of 4 stars; one submission).

Conditions:
Congenital contractural arachnodactyly (CCA). Also called: Beals-Hecht syndrome; Arthrogryposis, distal, type 9; BEALS SYNDROME. Identifiers: Orphanet 115, MedGen C0220668, MONDO:0007363, OMIM 121050.

Allele frequency attached by ClinVar (database versions not stated): gnomAD 0.00001.
gnomAD v4.1: 1 of 1,612,814 alleles (0.000062%); highest among the groups gnomAD compares: African/African-American, 0.0013%; no homozygotes.

Submission:

Victorian Clinical Genetics Services, Murdoch Childrens Research Institute
Classification: Uncertain significance for Congenital contractural arachnodactyly. Last evaluated: 2023-12-21. Review status: criteria provided, single submitter. Criteria: ACMG Guidelines, 2015. Collection method: clinical testing. Allele origin: germline. Inheritance: Autosomal dominant inheritance.
Comment: Based on the classification scheme VCGS_Germline_v1.3.4, this variant is classified as VUS-3A. Following criteria are met: 0105 - The mechanism of disease for this gene is not clearly established. However, dominant negative is a likely mechanism of disease (PMID: 31316167). (I) 0107 - This gene is associated with autosomal dominant disease. There are also rare reports of a severe form of congenital contractural arachnodactyly due to biallelic variants (PMID: 33571691). (I) 0115 - Variants in this gene are known to have variable expressivity. Intrafamilial and interfamilial variability is well reported for this gene (PMID: 20301560). (I) 0200 - Variant is predicted to result in a missense amino acid change from alanine to threonine. (I) 0251 - This variant is heterozygous. (I) 0302 - Variant is present in gnomAD (v3) <0.001 for a dominant condition (1 heterozygote, 0 homozygotes). (SP) 0502 - Missense variant with conflicting in silico predictions and uninformative conservation. (I) 0600 - Variant is located in the annotated calcium-binding EGF domain (DECIPHER). (I) 0705 - No comparable missense variants have previous evidence for pathogenicity. (I) 0807 - This variant has no previous evidence of pathogenicity. (I) 0905 - No published segregation evidence has been identified for this variant. (I) 1007 - No published functional evidence has been identified for this variant. (SP) Legend: (SP) - Supporting pathogenic, (I) - Information, (SB) - Supporting benign

Literature cited by the submitters: PubMed 20301560; PubMed 31316167; PubMed 33571691.